The following is an entry in ClinVar:

NM_031935.3(HMCN1):c.7412G>A (p.Gly2471Glu)

Gene: HMCN1 (hemicentin 1; plus strand). Cytogenetic location: 1q31.1.
Variant type: single nucleotide variant.
Coding change: c.7412G>A on transcript NM_031935.3 (MANE Select); coding-DNA position 7412, G replaced by A.
Protein change: p.Gly2471Glu; replaces glycine 2471 with glutamic acid.
Molecular consequence: missense variant.
Genome position (GRCh38, 1-based): chr1:186,061,950, G>A. VCF-style: chr1-186061950-G-A. GRCh37 (hg19) VCF-style: chr1-186031082-G-A.
Other names: short protein forms G2471E.
Identifiers: ClinVar variation 3648250 (VCV003648250.2).

ClinVar aggregate classification (germline): Uncertain significance (1 of 4 stars; one submission).

Submission:

Labcorp Genetics (formerly Invitae), Labcorp
Classification: Uncertain significance. Last evaluated: 2024-03-31. Review status: criteria provided, single submitter. Criteria: Invitae Variant Classification Sherloc (09022015). Collection method: clinical testing. Allele origin: germline.
Comment: This sequence change replaces glycine, which is neutral and non-polar, with glutamic acid, which is acidic and polar, at codon 2471 of the HMCN1 protein (p.Gly2471Glu). This variant is not present in population databases (gnomAD no frequency). This variant has not been reported in the literature in individuals affected with HMCN1-related conditions. Algorithms developed to predict the effect of missense changes on protein structure and function output the following: SIFT: "Not Available"; PolyPhen-2: "Possibly Damaging"; Align-GVGD: "Not Available". The glutamic acid amino acid residue is found in multiple mammalian species, which suggests that this missense change does not adversely affect protein function. In summary, the available evidence is currently insufficient to determine the role of this variant in disease. Therefore, it has been classified as a Variant of Uncertain Significance.